The following is an entry in ClinVar:

NM_001048174.2(MUTYH):c.860A>G (p.Glu287Gly)

Gene: MUTYH (mutY DNA glycosylase; minus strand). Cytogenetic location: 1p34.1.
Variant type: single nucleotide variant.
Coding change: c.860A>G on transcript NM_001048174.2 (MANE Select); coding-DNA position 860, A replaced by G.
Protein change: p.Glu287Gly; replaces glutamic acid 287 with glycine.
Molecular consequence: missense variant. On other transcripts: non-coding transcript variant (2).
Genome position (GRCh38, 1-based): chr1:45,332,076, T>C on the plus strand (A>G on the coding strand, the complement: MUTYH is on the minus strand). VCF-style: chr1-45332076-T-C. GRCh37 (hg19) VCF-style: chr1-45797748-T-C.
Other names: c.860A>G, p.Glu287Gly (NM_001048171.2, NM_001048173.2, NM_001293195.2); c.863A>G, p.Glu288Gly (NM_001048172.2); c.944A>G, p.Glu315Gly (NM_001128425.2); c.905A>G, p.Glu302Gly (NM_001293190.2); c.893A>G, p.Glu298Gly (NM_001293191.2); c.584A>G, p.Glu195Gly (NM_001293192.2, NM_001293196.2); c.515A>G, p.Glu172Gly (NM_001350650.2, NM_001350651.2); c.935A>G, p.Glu312Gly (NM_012222.3); short protein forms E315G, E172G, E287G, E312G, E195G, E288G, E298G, E302G.
Identifiers: ClinVar variation 566359 (VCV000566359.15), dbSNP rs1557468846, ClinGen allele CA340134207.

ClinVar aggregate classification (germline): Conflicting classifications of pathogenicity. Review status: criteria provided, conflicting classifications (1 of 4 stars). 3 submissions from 3 submitters: Uncertain significance (2); Benign (1). Last evaluated 2025-09-09.

Conditions:
Hereditary cancer-predisposing syndrome. Also called: Tumor predisposition; Neoplastic Syndromes, Hereditary; Hereditary neoplastic syndrome; Hereditary Cancer Syndrome. Identifiers: Orphanet 140162, MedGen C0027672, MeSH D009386, MONDO:0015356.
Familial adenomatous polyposis 2. Also called: MYH-associated polyposis; FAP type 2; COLORECTAL ADENOMATOUS POLYPOSIS, AUTOSOMAL RECESSIVE; ADENOMAS, MULTIPLE COLORECTAL, AUTOSOMAL RECESSIVE; MUTYH-related attenuated familial adenomatous polyposis; MUTYH Polyposis. Identifiers: Orphanet 220460, Orphanet 247798, MedGen C3272841, MONDO:0012041, OMIM 608456.

Allele frequency attached by ClinVar (database versions not stated): TOPMed below 0.00001.

Submissions (3):

Ambry Genetics
Classification: Benign for Hereditary cancer-predisposing syndrome. Last evaluated: 2025-09-09. Review status: criteria provided, single submitter. Criteria: Ambry Variant Classification Scheme 2023. Collection method: clinical testing. Allele origin: germline.

Center for Genomic Medicine, Rigshospitalet, Copenhagen University Hospital
Classification: Uncertain significance. Last evaluated: 2025-03-04. Review status: criteria provided, single submitter. Criteria: ACMG Guidelines, 2015. Collection method: clinical testing. Allele origin: germline.

Labcorp Genetics (formerly Invitae), Labcorp
Classification: Uncertain significance for Familial adenomatous polyposis 2. Last evaluated: 2024-06-09. Review status: criteria provided, single submitter. Criteria: Invitae Variant Classification Sherloc (09022015). Collection method: clinical testing. Allele origin: germline.
Comment: This sequence change replaces glutamic acid, which is acidic and polar, with glycine, which is neutral and non-polar, at codon 315 of the MUTYH protein (p.Glu315Gly). This variant is not present in population databases (gnomAD no frequency). This variant has not been reported in the literature in individuals affected with MUTYH-related conditions. ClinVar contains an entry for this variant (Variation ID: 566359). Algorithms developed to predict the effect of missense changes on protein structure and function output the following: SIFT: "Not Available"; PolyPhen-2: "Benign"; Align-GVGD: "Not Available". The glycine amino acid residue is found in multiple mammalian species, which suggests that this missense change does not adversely affect protein function. Algorithms developed to predict the effect of sequence changes on RNA splicing suggest that this variant may disrupt the consensus splice site. In summary, the available evidence is currently insufficient to determine the role of this variant in disease. Therefore, it has been classified as a Variant of Uncertain Significance.